The following is an entry in ClinVar:

NM_001354435.2(C4orf54):c.3097C>T (p.Leu1033=)

Gene: C4orf54 (chromosome 4 open reading frame 54; minus strand). Cytogenetic location: 4q23.
Variant type: single nucleotide variant.
Coding change: c.3097C>T on transcript NM_001354435.2 (MANE Select); coding-DNA position 3097, C replaced by T.
Protein change: p.Leu1033=; no amino-acid change (leucine 1033 retained).
Molecular consequence: synonymous variant.
Genome position (GRCh38, 1-based): chr4:99,651,552, G>A on the plus strand (C>T on the coding strand, the complement: C4orf54 is on the minus strand). VCF-style: chr4-99651552-G-A. GRCh37 (hg19) VCF-style: chr4-100572709-G-A.
Identifiers: ClinVar variation 3387955 (VCV003387955.14).

ClinVar aggregate classification (germline): Likely benign (1 of 4 stars; one submission).

gnomAD v4.1: 3,026 of 1,536,158 alleles (0.2%); highest among the groups gnomAD compares: Non-Finnish European, 0.23%; 5 homozygotes.

Submission:

CeGaT Center for Human Genetics Tuebingen
Classification: Likely benign. Last evaluated: 2024-10-01. Review status: criteria provided, single submitter. Criteria: CeGaT Center For Human Genetics Tuebingen Variant Classification Criteria Version 2. Collection method: clinical testing. Allele origin: germline. Affected: yes. Observed: 1 variant allele.
Comment: C4orf54: BS1